The following is an entry in ClinVar:

NM_024685.4(BBS10):c.1271T>C (p.Leu424Ser)

Gene: BBS10 (Bardet-Biedl syndrome 10; minus strand). Cytogenetic location: 12q21.2.
Variant type: single nucleotide variant.
Coding change: c.1271T>C on transcript NM_024685.4 (MANE Select); coding-DNA position 1271, T replaced by C.
Protein change: p.Leu424Ser; replaces leucine 424 with serine.
Molecular consequence: missense variant.
Genome position (GRCh38, 1-based): chr12:76,346,714, A>G on the plus strand (T>C on the coding strand, the complement: BBS10 is on the minus strand). VCF-style: chr12-76346714-A-G. GRCh37 (hg19) VCF-style: chr12-76740494-A-G.
Other names: short protein forms L424S.
Identifiers: ClinVar variation 3358788 (VCV003358788.1).

ClinVar aggregate classification (germline): Uncertain significance (0 of 4 stars; one submission).

Conditions:
BBS10-related disorder. Also called: BBS10-related condition.

Submission:

PreventionGenetics, part of Exact Sciences
Classification: Uncertain significance for BBS10-related condition. Last evaluated: 2023-11-22. Review status: no assertion criteria provided. Collection method: clinical testing. Allele origin: germline.
Comment: The BBS10 c.1271T>C variant is predicted to result in the amino acid substitution p.Leu424Ser. To our knowledge, this variant has not been reported in the literature or in a large population database, indicating this variant is rare. At this time, the clinical significance of this variant is uncertain due to the absence of conclusive functional and genetic evidence.